The following is an entry in ClinVar:

ClinVar aggregate classification (germline): Uncertain significance (1 of 4 stars; one submission).

Submission:

Labcorp Genetics (formerly Invitae), Labcorp
Classification: Uncertain significance. Last evaluated: 2022-02-10. Review status: criteria provided, single submitter. Criteria: Invitae Variant Classification Sherloc (09022015). Collection method: clinical testing. Allele origin: germline.
Comment: In summary, the available evidence is currently insufficient to determine the role of this variant in disease. Therefore, it has been classified as a Variant of Uncertain Significance. Algorithms developed to predict the effect of missense changes on protein structure and function output the following: SIFT: "Tolerated"; PolyPhen-2: "Benign"; Align-GVGD: "Class C0". The glutamic acid amino acid residue is found in multiple mammalian species, which suggests that this missense change does not adversely affect protein function. This variant has not been reported in the literature in individuals affected with CD46-related conditions. This variant is not present in population databases (gnomAD no frequency). This sequence change replaces alanine, which is neutral and non-polar, with glutamic acid, which is acidic and polar, at codon 22 of the CD46 protein (p.Ala22Glu).

NM_172351.3(CD46):c.65C>A (p.Ala22Glu)

Genes: CD46 (CD46 molecule; plus strand), LOC129932405 (ATAC-STARR-seq lymphoblastoid active region 2449; plus strand). Cytogenetic location: 1q32.2.
Variant type: single nucleotide variant.
Coding change: c.65C>A on transcript NM_172351.3 (MANE Select); coding-DNA position 65, C replaced by A.
Protein change: p.Ala22Glu; replaces alanine 22 with glutamic acid.
Molecular consequence: missense variant.
Genome position (GRCh38, 1-based): chr1:207,752,277, C>A. VCF-style: chr1-207752277-C-A. GRCh37 (hg19) VCF-style: chr1-207925622-C-A.
Other names: c.65C>A, p.Ala22Glu (NM_002389.4, NM_153826.4, NM_172350.3 and 8 more transcripts); short protein forms A22E.
Identifiers: ClinVar variation 1351454 (VCV001351454.8), dbSNP rs2102512211, ClinGen allele CA344547817.
Genomic context (GRCh38, chr1:207,752,277, plus strand): 5'-AGCCTCCCGGCCGCCGCGAGTGTCCCTTTCCTTCCTGGCGCTTTCCTGGGTTGCTTCTGG[C>A]GGCCATGGTGTTGCTGCTGTACTCCTTCTCCGGTAGGACCCCGGGGCGGGTTCGCGCGTC-3'
Protein context (NP_758861.1, residues 12-32): PSWRFPGLLL[Ala22Glu]AMVLLLYSFS